The following is an entry in ClinVar:

ClinVar aggregate classification (germline): Likely benign. Review status: criteria provided, multiple submitters, no conflicts (2 of 4 stars). 4 submissions from 4 submitters: Likely benign (4). Last evaluated 2024-10-09.

Conditions:
Hereditary cancer-predisposing syndrome. Also called: Hereditary neoplastic syndrome; Hereditary Cancer Syndrome; Neoplastic Syndromes, Hereditary; Tumor predisposition. Identifiers: Orphanet 140162, MedGen C0027672, MeSH D009386, MONDO:0015356.
Familial adenomatous polyposis 2. Also called: MYH-associated polyposis; COLORECTAL ADENOMATOUS POLYPOSIS, AUTOSOMAL RECESSIVE; ADENOMAS, MULTIPLE COLORECTAL, AUTOSOMAL RECESSIVE; MUTYH-related attenuated familial adenomatous polyposis; Adenomas, multiple colorectal; FAP type 2. Identifiers: Orphanet 220460, Orphanet 247798, MedGen C3272841, MONDO:0012041, OMIM 608456.

gnomAD v4.1: 1 of 1,614,214 alleles (0.000062%); no homozygotes.

Submissions (4):

Labcorp Genetics (formerly Invitae), Labcorp
Classification: Likely benign for Familial adenomatous polyposis 2. Last evaluated: 2024-10-09. Review status: criteria provided, single submitter. Criteria: Invitae Variant Classification Sherloc (09022015). Collection method: clinical testing. Allele origin: germline.

All of Us Research Program, National Institutes of Health
Classification: Likely benign for Familial adenomatous polyposis 2. Last evaluated: 2023-09-05. Review status: criteria provided, single submitter. Criteria: ACMG Guidelines, 2015. Collection method: clinical testing. Allele origin: germline. Inheritance: Autosomal recessive inheritance. Observed: 2 variant alleles, 2 heterozygotes.
Comment: This study involves interpretation of variants in research participants for the purpose of population health screening. Participant phenotype was not available at the time of variant classification. Additional details can be found in publication PMID: 35346344, PMCID: PMC8962531

Color Diagnostics, LLC DBA Color Health
Classification: Likely benign for Hereditary cancer-predisposing syndrome. Last evaluated: 2017-10-02. Review status: criteria provided, single submitter. Criteria: ACMG Guidelines, 2015. Collection method: clinical testing. Allele origin: germline.

Ambry Genetics
Classification: Likely benign for Hereditary cancer-predisposing syndrome. Last evaluated: 2016-01-25. Review status: criteria provided, single submitter. Criteria: Ambry Variant Classification Scheme 2023. Collection method: clinical testing. Allele origin: germline.

NM_001048174.2(MUTYH):c.1260C>T (p.His420=)

Gene: MUTYH (mutY DNA glycosylase; minus strand). Cytogenetic location: 1p34.1.
Variant type: single nucleotide variant.
Coding change: c.1260C>T on transcript NM_001048174.2 (MANE Select); coding-DNA position 1260, C replaced by T.
Protein change: p.His420=; no amino-acid change (histidine 420 retained).
Molecular consequence: synonymous variant. On other transcripts: non-coding transcript variant (2).
Genome position (GRCh38, 1-based): chr1:45,331,314, G>A on the plus strand (C>T on the coding strand, the complement: MUTYH is on the minus strand). VCF-style: chr1-45331314-G-A. GRCh37 (hg19) VCF-style: chr1-45796986-G-A.
Other names: c.1260C>T, p.His420= (NM_001048171.2, NM_001048173.2, NM_001293195.2); c.1263C>T, p.His421= (NM_001048172.2); c.1344C>T, p.His448= (NM_001128425.2); c.1305C>T, p.His435= (NM_001293190.2); c.1293C>T, p.His431= (NM_001293191.2); c.984C>T, p.His328= (NM_001293192.2, NM_001293196.2); c.915C>T, p.His305= (NM_001350650.2, NM_001350651.2); c.1335C>T, p.His445= (NM_012222.3).
Identifiers: ClinVar variation 481795 (VCV000481795.19), dbSNP rs1553125290, ClinGen allele CA417702125.